The following is an entry in ClinVar:

ClinVar aggregate classification (germline): Pathogenic/Likely pathogenic. Review status: criteria provided, multiple submitters, no conflicts (2 of 4 stars). 2 submissions from 2 submitters: Pathogenic (1); Likely pathogenic (1). Last evaluated 2025-11-18.

Conditions:
Long QT syndrome (LQTS). Identifiers: MedGen C0023976, MeSH D008133, MONDO:0002442. Disease mechanism: loss of function. Inheritance: Various modes of inheritance.

Allele frequency attached by ClinVar (database versions not stated): gnomAD exomes below 0.00001.
gnomAD v4.1: 2 of 1,597,940 alleles (0.00013%); highest among the groups gnomAD compares: South Asian, 0.0022%; no homozygotes.

Submissions (2):

Labcorp Genetics (formerly Invitae), Labcorp
Classification: Pathogenic for Long QT syndrome. Last evaluated: 2025-11-18. Review status: criteria provided, single submitter. Criteria: Invitae Variant Classification Sherloc (09022015). Collection method: clinical testing. Allele origin: germline.
Comment: This sequence change creates a premature translational stop signal (p.Gln107*) in the KCNQ1 gene. It is expected to result in an absent or disrupted protein product. Loss-of-function variants in KCNQ1 are known to be pathogenic (PMID: 9323054, 19862833). This variant is present in population databases (no rsID available, gnomAD 0.003%). This premature translational stop signal has been observed in individual(s) with long QT syndrome (PMID: 34505893). ClinVar contains an entry for this variant (Variation ID: 2440963). For these reasons, this variant has been classified as Pathogenic.

Revvity Omics, Revvity
Classification: Likely pathogenic. Last evaluated: 2021-12-28. Review status: criteria provided, single submitter. Criteria: ACMG Guidelines, 2015. Collection method: clinical testing. Allele origin: germline.

Literature cited by the submitters: PubMed 9323054 (cited by Labcorp Genetics (formerly Invitae), Labcorp); PubMed 19862833 (cited by Labcorp Genetics (formerly Invitae), Labcorp); PubMed 34505893 (cited by Labcorp Genetics (formerly Invitae), Labcorp).

NM_000218.3(KCNQ1):c.319C>T (p.Gln107Ter)

Gene: KCNQ1 (potassium voltage-gated channel subfamily Q member 1; plus strand). Cytogenetic location: 11p15.5.
Variant type: single nucleotide variant.
Coding change: c.319C>T on transcript NM_000218.3 (MANE Select); coding-DNA position 319, C replaced by T.
Protein change: p.Gln107Ter; replaces glutamine 107 with a stop codon.
Molecular consequence: nonsense.
Genome position (GRCh38, 1-based): chr11:2,445,417, C>T. VCF-style: chr11-2445417-C-T. GRCh37 (hg19) VCF-style: chr11-2466647-C-T.
Other names: c.319C>T, p.Gln107Ter (NM_001406836.1, NM_001406838.1); c.-44C>T (NM_001406837.1); short protein forms Q107*.
Identifiers: ClinVar variation 2440963 (VCV002440963.4), dbSNP rs1462285903, ClinGen allele CA379117442.